The following is an entry in ClinVar:

ClinVar aggregate classification (germline): Conflicting classifications of pathogenicity. Review status: criteria provided, conflicting classifications (1 of 4 stars). 2 submissions from 2 submitters: Uncertain significance (1); Likely benign (1). Last evaluated 2023-12-04.

Conditions:
Hereditary cancer-predisposing syndrome. Also called: Neoplastic Syndromes, Hereditary; Tumor predisposition; Hereditary Cancer Syndrome; Hereditary neoplastic syndrome. Identifiers: Orphanet 140162, MedGen C0027672, MeSH D009386, MONDO:0015356.

Submissions (2):

Color Diagnostics, LLC DBA Color Health
Classification: Uncertain significance for Hereditary cancer-predisposing syndrome. Last evaluated: 2023-12-04. Review status: criteria provided, single submitter. Criteria: ACMG Guidelines, 2015. Collection method: clinical testing. Allele origin: germline.
Comment: This missense variant replaces threonine with proline at codon 1867 of the BRCA2 protein. Computational prediction suggests that this variant may not impact protein structure and function (internally defined REVEL score threshold <= 0.5, PMID: 27666373). To our knowledge, functional studies have not been reported for this variant. This variant has not been reported in individuals affected with BRCA2-related disorders in the literature. This variant has not been identified in the general population by the Genome Aggregation Database (gnomAD). The available evidence is insufficient to determine the role of this variant in disease conclusively. Therefore, this variant is classified as a Variant of Uncertain Significance.

University of Washington Department of Laboratory Medicine, University of Washington
Classification: Likely benign for Hereditary cancer-predisposing syndrome. Last evaluated: 2023-03-23. Review status: criteria provided, single submitter. Criteria: Dines et al. (Genet Med. 2020). Collection method: curation. Allele origin: germline.
Comment: Missense variant in a coldspot region where missense variants are very unlikely to be pathogenic (PMID:31911673).

BRCA2 exon 11 coldspot. Reclassification based on statistical prior probability.

NM_000059.4(BRCA2):c.5599A>C (p.Thr1867Pro)

Gene: BRCA2 (BRCA2 DNA repair associated; plus strand). Cytogenetic location: 13q13.1.
Variant type: single nucleotide variant.
Coding change: c.5599A>C on transcript NM_000059.4 (MANE Select); coding-DNA position 5599, A replaced by C.
Protein change: p.Thr1867Pro; replaces threonine 1867 with proline.
Molecular consequence: missense variant.
Genome position (GRCh38, 1-based): chr13:32,339,954, A>C. VCF-style: chr13-32339954-A-C. GRCh37 (hg19) VCF-style: chr13-32914091-A-C.
Other names: short protein forms T1867P.
Identifiers: ClinVar variation 918512 (VCV000918512.6), dbSNP rs2072533024, ClinGen allele CA387786057.